The following is an entry in ClinVar:

NM_000143.4(FH):c.705T>G (p.His235Gln)

Gene: FH (fumarate hydratase; minus strand). Cytogenetic location: 1q43.
Variant type: single nucleotide variant.
Coding change: c.705T>G on transcript NM_000143.4 (MANE Select); coding-DNA position 705, T replaced by G.
Protein change: p.His235Gln; replaces histidine 235 with glutamine.
Molecular consequence: missense variant.
Genome position (GRCh38, 1-based): chr1:241,508,636, A>C on the plus strand (T>G on the coding strand, the complement: FH is on the minus strand). VCF-style: chr1-241508636-A-C. GRCh37 (hg19) VCF-style: chr1-241671936-A-C.
Other names: short protein forms H235Q.
Identifiers: ClinVar variation 663861 (VCV000663861.10), dbSNP rs919993170, ClinGen allele CA345439208.
Genomic context (GRCh38, chr1:241,508,636, plus strand): 5'-TGAATCAAATTAGTCAAACTCCTATACCTGCCCAAGAGTAAGTGGAACAGCATCCTGAGT[A>C]TGAGTACGTCCAATCTTGATGATCTGTGCAAACTCTTTGGATTTTGCATCAAGAGCATCA-3'
Protein context (NP_000134.2, residues 225-245): FAQIIKIGRT[His235Gln]TQDAVPLTLG

ClinVar aggregate classification (germline): Likely pathogenic. Review status: criteria provided, multiple submitters, no conflicts (2 of 4 stars). 2 submissions from 2 submitters: Likely pathogenic (2). Last evaluated 2026-09-11.

Conditions:
Hereditary leiomyomatosis and renal cell cancer. Also called: FH tumor predisposition syndrome; LEIOMYOMA, MULTIPLE CUTANEOUS; Multiple cutaneous leiomyomas; MULTIPLE CUTANEOUS AND UTERINE LEIOMYOMATA 1, WITH OR WITHOUT RENAL CELL CARCINOMA; Familial leiomyomatosis; Reed syndrome. Identifiers: Orphanet 523, MedGen C1708350, MONDO:0007888, OMIM 150800, HP:0007437. Disease mechanism: loss of function.

Submissions (2):

Myriad Genetics, Inc.
Classification: Likely pathogenic for Hereditary leiomyomatosis and renal cell cancer. Last evaluated: 2026-09-11. Review status: criteria provided, single submitter. Criteria: Myriad Autosomal Dominant, Autosomal Recessive and X-Linked Classification Criteria (2023). Collection method: clinical testing. Allele origin: unknown.
Comment: This variant is considered likely pathogenic. This variant is expected to disrupt protein structure [Myriad internal data]. Functional studies indicate this variant impacts protein function [PMID: 37255402]. This variant has been reported in multiple individuals with clinical features of gene-specific disease [PMID: 26983443, 28300276, Myriad internal data, external communications].

Labcorp Genetics (formerly Invitae), Labcorp
Classification: Likely pathogenic. Last evaluated: 2021-09-09. Review status: criteria provided, single submitter. Criteria: Invitae Variant Classification Sherloc (09022015). Collection method: clinical testing. Allele origin: germline.
Comment: This variant has been observed in individual(s) with cutaneous leiomyomas and/or uterine fibroids (Invitae). It has also been observed to segregate with disease in related individuals. In summary, the currently available evidence indicates that the variant is pathogenic, but additional data are needed to prove that conclusively. Therefore, this variant has been classified as Likely Pathogenic. Advanced modeling of protein sequence and biophysical properties (such as structural, functional, and spatial information, amino acid conservation, physicochemical variation, residue mobility, and thermodynamic stability) performed at Invitae indicates that this missense variant is expected to disrupt FH protein function. ClinVar contains an entry for this variant (Variation ID: 663861). This variant is not present in population databases (ExAC no frequency). This sequence change replaces histidine with glutamine at codon 235 of the FH protein (p.His235Gln). The histidine residue is highly conserved and there is a small physicochemical difference between histidine and glutamine.

Literature cited by the submitters: PubMed 37255402 (cited by Myriad Genetics, Inc.); PubMed 26983443 (cited by Myriad Genetics, Inc.); PubMed 28300276 (cited by Myriad Genetics, Inc.).